The following is an entry in ClinVar:

ClinVar aggregate classification (germline): Uncertain significance. Review status: criteria provided, multiple submitters, no conflicts (2 of 4 stars). 4 submissions from 4 submitters: Uncertain significance (3). 1 of the submissions does not count toward it. Last evaluated 2025-10-27.

Conditions:
SCN4A-related non-dystrophic myotonia.
Hyperkalemic periodic paralysis. Also called: Gamstorp disease; Familial hyperkalemic periodic paralysis. Identifiers: Orphanet 682, MedGen C0238357, MONDO:0008224, OMIM 170500, HP:0007215.

Submissions (4):

Labcorp Genetics (formerly Invitae), Labcorp
Classification: Uncertain significance for Hyperkalemic periodic paralysis. Last evaluated: 2025-10-27. Review status: criteria provided, single submitter. Criteria: Invitae Variant Classification Sherloc (09022015). Collection method: clinical testing. Allele origin: germline.
Comment: This variant, c.5107_5109del, results in the deletion of 1 amino acid(s) of the SCN4A protein (p.Glu1703del), but otherwise preserves the integrity of the reading frame. This variant is present in population databases (no rsID available, gnomAD 0.003%). This variant has been observed in individuals with SCN4A-related conditions (PMID: 32129495, 35907044; internal data). This variant is also known as p.Glu1702del. Algorithms developed to predict the effect of variants on gene product structure and function are not available or were not evaluated for this variant. Experimental studies have shown that this variant affects SCN4A function (PMID: 32129495). In summary, the available evidence is currently insufficient to determine the role of this variant in disease. Therefore, it has been classified as a Variant of Uncertain Significance.

Women's Health and Genetics/Laboratory Corporation of America, LabCorp
Classification: Uncertain significance. Last evaluated: 2025-05-12. Review status: criteria provided, single submitter. Criteria: LabCorp Variant Classification Summary - May 2015. Collection method: clinical testing. Allele origin: germline.
Comment: Variant summary: SCN4A c.5107_5109delGAG (p.Glu1703del) (also known as E1702del) results in an in-frame deletion that is predicted to remove 1 amino acids from the encoded protein. The variant allele was found at a frequency of 4e-06 in 249190 control chromosomes. The available data on variant occurrences in the general population are insufficient to allow any conclusion about variant significance. c.5107_5109delGAG has been observed in individuals affected with myotonic syndrome and nondystrophic myotonia (Yuan_2022, Horie_2020). These data do not allow any conclusion about variant significance. At least one publication reports experimental evidence evaluating an impact on protein function. The most pronounced variant effect results in about 90% of normal fast inactivation by whole-cell recording in HEK293T cells (Horie_2020). The following publications have been ascertained in the context of this evaluation (PMID: 35907044, 32129495). ClinVar contains an entry for this variant (Variation ID: 567853). Based on the evidence outlined above, the variant was classified as uncertain significance.

Athena Diagnostics
Classification: Uncertain significance. Last evaluated: 2017-11-07. Review status: criteria provided, single submitter. Criteria: Athena Diagnostics Criteria. Collection method: clinical testing. Allele origin: germline.

Department of Neurology and Geriatrics, Kagoshima University Graduate School of Medical and Dental Sciences
Classification: Pathogenic for SCN4A-related non-dystrophic myotonia. Last evaluated: 2022-04-06. Review status: no assertion criteria provided. Collection method: research. Allele origin: germline. Affected: yes. Not counted in ClinVar's aggregate classification.

Literature cited by the submitters: PubMed 32129495 (cited by Labcorp Genetics (formerly Invitae), Labcorp); PubMed 35907044 (cited by Labcorp Genetics (formerly Invitae), Labcorp).

NM_000334.4(SCN4A):c.5104GAG[1] (p.Glu1703del)

Genes: GH-LCR (growth hormone locus control region; plus strand), SCN4A (sodium voltage-gated channel alpha subunit 4; minus strand). Cytogenetic location: 17q23.3.
Variant type: Microsatellite.
Coding change: c.5104GAG[1] on transcript NM_000334.4 (MANE Select); one copy of the 3-base unit GAG starting at c.5104; the reference has two copies in a row; one copy, 3 bases deleted.
Protein change: p.Glu1703del; deletes glutamic acid 1703.
Molecular consequence: inframe deletion.
Genome position (GRCh38, 1-based): chr17:63,941,173-63,941,175, CTC deleted on the plus strand (GAG on the coding strand, the reverse complement: SCN4A is on the minus strand); deleting any 3 consecutive bases within chr17:63,941,173-63,941,179 gives the same sequence; the position shown is the placement nearest the transcript's 3' end. VCF-style (leftmost placement, unchanged base first): chr17-63941172-TCTC-T. GRCh37 (hg19) VCF-style: chr17-62018532-TCTC-T.
Other names: c.5107_5109delGAG (NM_000334.4); short protein forms E1703del.
Identifiers: ClinVar variation 567853 (VCV000567853.9), dbSNP rs1464481652, ClinGen allele CA627150279.